The following is an entry in ClinVar:

NM_002470.4(MYH3):c.1542C>T (p.Phe514=)

Gene: MYH3 (myosin heavy chain 3; minus strand). Cytogenetic location: 17p13.1.
Variant type: single nucleotide variant.
Coding change: c.1542C>T on transcript NM_002470.4 (MANE Select); coding-DNA position 1542, C replaced by T.
Protein change: p.Phe514=; no amino-acid change (phenylalanine 514 retained).
Molecular consequence: synonymous variant.
Genome position (GRCh38, 1-based): chr17:10,642,865, G>A on the plus strand (C>T on the coding strand, the complement: MYH3 is on the minus strand). VCF-style: chr17-10642865-G-A. GRCh37 (hg19) VCF-style: chr17-10546182-G-A.
Other names: c.1542C>T (NM_002470.3).
Identifiers: ClinVar variation 2829088 (VCV002829088.5), dbSNP rs530556802, ClinGen allele CA8392989.

ClinVar aggregate classification (germline): Likely benign. Review status: criteria provided, single submitter (1 of 4 stars). 2 submissions from 2 submitters: Likely benign (1). 1 of the submissions does not count toward it. Last evaluated 2025-07-23.

Conditions:
MYH3-related disorder. Also called: MYH3-related condition; MYH3-Related Disorders. Identifiers: MedGen CN239329.

Allele frequency attached by ClinVar (database versions not stated): TOPMed 0.00002; 1000 Genomes Project 0.00040; ExAC 0.00021; 1000 Genomes Project 30x 0.00047; gnomAD 0.00005; gnomAD exomes 0.00008.
gnomAD v4.1: 127 of 1,614,164 alleles (0.0079%); highest among the groups gnomAD compares: South Asian, 0.13%; 4 homozygotes.

Submissions (2):

Labcorp Genetics (formerly Invitae), Labcorp
Classification: Likely benign. Last evaluated: 2025-07-23. Review status: criteria provided, single submitter. Criteria: Invitae Variant Classification Sherloc (09022015). Collection method: clinical testing. Allele origin: germline.

PreventionGenetics, part of Exact Sciences
Classification: Likely benign for MYH3-related condition. Last evaluated: 2023-03-28. Review status: no assertion criteria provided. Collection method: clinical testing. Allele origin: germline. Not counted in ClinVar's aggregate classification.
Comment: This variant is classified as likely benign based on ACMG/AMP sequence variant interpretation guidelines (Richards et al. 2015 PMID: 25741868, with internal and published modifications).